The following is an entry in ClinVar:

ClinVar aggregate classification (germline): Conflicting classifications of pathogenicity. Review status: criteria provided, conflicting classifications (1 of 4 stars). 4 submissions from 3 submitters: Uncertain significance (1); Benign (1); Likely benign (2). Last evaluated 2025-06-03.

Conditions:
Autosomal dominant cerebellar ataxia. Also called: Spinocerebellar Ataxia, Dominant. Identifiers: Orphanet 99, MedGen C4087347, MONDO:0020380.
Inborn genetic diseases. Identifiers: MedGen C0950123, MeSH D030342.
Charcot-Marie-Tooth disease axonal type 2O. Also called: Charcot-Marie-Tooth disease, axonal, type 20; CHARCOT-MARIE-TOOTH NEUROPATHY, AXONAL, TYPE 2O; CHARCOT-MARIE-TOOTH DISEASE, AXONAL, AUTOSOMAL DOMINANT, TYPE 2O; Charcot-Marie-Tooth Neuropathy Type 2O. Identifiers: Orphanet 284232, MedGen C3280220, MONDO:0013644, OMIM 614228.

Allele frequency attached by ClinVar (database versions not stated): gnomAD exomes 0.00001 and 0.00002; ExAC 0.00002; gnomAD 0.00002 and 0.00003; TOPMed 0.00002; ESP Exome Variant Server 0.00008; 1000 Genomes Project 30x 0.00016; 1000 Genomes Project 0.00020.
gnomAD v4.1: 14 of 1,613,024 alleles (0.00087%); highest among the groups gnomAD compares: Admixed American, 0.005%; no homozygotes.

Submissions (4):

Ambry Genetics
Classification: Uncertain significance for Inborn genetic diseases. Last evaluated: 2025-06-03. Review status: criteria provided, single submitter. Criteria: Ambry Variant Classification Scheme 2023. Collection method: clinical testing. Allele origin: germline.
Comment: The c.13151C>T (p.A4384V) alteration is located in exon 73 (coding exon 73) of the DYNC1H1 gene. This alteration results from a C to T substitution at nucleotide position 13151, causing the alanine (A) at amino acid position 4384 to be replaced by a valine (V). Based on data from gnomAD, the T allele has an overall frequency of 0.002% (6/281316) total alleles studied. The highest observed frequency was 0.012% (3/24894) of African alleles. This amino acid position is highly conserved in available vertebrate species. This alteration is predicted to be tolerated by in silico analysis. Based on insufficient or conflicting evidence, the clinical significance of this alteration remains unclear.

Labcorp Genetics (formerly Invitae), Labcorp
Classification: Benign for Charcot-Marie-Tooth disease axonal type 2O. Last evaluated: 2022-04-12. Review status: criteria provided, single submitter. Criteria: Invitae Variant Classification Sherloc (09022015). Collection method: clinical testing. Allele origin: germline.

Illumina Laboratory Services, Illumina
Classification: Likely benign for Spinocerebellar Ataxia, Dominant. Last evaluated: 2018-01-13. Review status: criteria provided, single submitter. Criteria: ICSL Variant Classification Criteria 13 December 2019. Collection method: clinical testing. Allele origin: germline.
Comment: This variant was observed in the ICSL laboratory as part of a predisposition screen in an ostensibly healthy population. It had not been previously curated by ICSL or reported in the Human Gene Mutation Database (HGMD: prior to June 1st, 2018), and was therefore a candidate for classification through an automated scoring system. Utilizing variant allele frequency, disease prevalence and penetrance estimates, and inheritance mode, an automated score was calculated to assess if this variant is too frequent to cause the disease. Based on the score and internal cut-off values, a variant classified as likely benign is not then subjected to further curation. The score for this variant resulted in a classification of likely benign for this disease.

Illumina Laboratory Services, Illumina
Classification: Likely benign for Charcot-Marie-Tooth disease axonal type 2O. Last evaluated: 2018-01-13. Review status: criteria provided, single submitter. Criteria: ICSL Variant Classification Criteria 13 December 2019. Collection method: clinical testing. Allele origin: germline.
Comment: the same text as in the submission from Illumina Laboratory Services, Illumina above.

NM_001376.5(DYNC1H1):c.13151C>T (p.Ala4384Val)

Gene: DYNC1H1 (dynein cytoplasmic 1 heavy chain 1; plus strand). Cytogenetic location: 14q32.31.
Variant type: single nucleotide variant.
Coding change: c.13151C>T on transcript NM_001376.5 (MANE Select); coding-DNA position 13151, C replaced by T.
Protein change: p.Ala4384Val; replaces alanine 4384 with valine.
Molecular consequence: missense variant.
Genome position (GRCh38, 1-based): chr14:102,047,961, C>T. VCF-style: chr14-102047961-C-T. GRCh37 (hg19) VCF-style: chr14-102514298-C-T.
Other names: short protein forms A4384V.
Identifiers: ClinVar variation 884208 (VCV000884208.9), dbSNP rs201971718, ClinGen allele CA7354156.
Genomic context (GRCh38, chr14:102,047,961, plus strand): 5'-CGAGGACAGACTCCACGTCCGACGGGCGCCCTGCCTGGATGCGGACACTGCACACCACCG[C>T]GTCCAACTGGCTGCACCTCATCCCCCAGACGCTGAGCCACCTCAAGCGCACCGTGGAGAA-3'
Protein context (NP_001367.2, residues 4374-4394): PAWMRTLHTT[Ala4384Val]SNWLHLIPQT